The following is an entry in ClinVar:

ClinVar aggregate classification (germline): Uncertain significance (1 of 4 stars; one submission).

Conditions:
Tumor predisposition syndrome 3 (TPDS3). Also called: Glioma susceptibility 9; LONG TELOMERE SYNDROME, POT1-RELATED; POT1 Tumor Predisposition; Melanoma, cutaneous malignant, susceptibility to, 10. Identifiers: Orphanet 618, MedGen C4014476, MONDO:0014368, OMIM 615848.

Submission:

Labcorp Genetics (formerly Invitae), Labcorp
Classification: Uncertain significance for Tumor predisposition syndrome 3. Last evaluated: 2020-08-20. Review status: criteria provided, single submitter. Criteria: Invitae Variant Classification Sherloc (09022015). Collection method: clinical testing. Allele origin: germline.
Comment: This sequence change replaces glycine with cysteine at codon 272 of the POT1 protein (p.Gly272Cys). The glycine residue is highly conserved and there is a large physicochemical difference between glycine and cysteine. In summary, the available evidence is currently insufficient to determine the role of this variant in disease. Therefore, it has been classified as a Variant of Uncertain Significance. Algorithms developed to predict the effect of missense changes on protein structure and function (SIFT, PolyPhen-2, Align-GVGD) all suggest that this variant is likely to be disruptive, but these predictions have not been confirmed by published functional studies and their clinical significance is uncertain. This variant has not been reported in the literature in individuals with POT1-related conditions. This variant is not present in population databases (ExAC no frequency).

NM_015450.3(POT1):c.814G>T (p.Gly272Cys)

Gene: POT1 (protection of telomeres 1; minus strand). Cytogenetic location: 7q31.33.
Variant type: single nucleotide variant.
Coding change: c.814G>T on transcript NM_015450.3 (MANE Select); coding-DNA position 814, G replaced by T.
Protein change: p.Gly272Cys; replaces glycine 272 with cysteine.
Molecular consequence: missense variant. On other transcripts: non-coding transcript variant (3).
Genome position (GRCh38, 1-based): chr7:124,853,027, C>A on the plus strand (G>T on the coding strand, the complement: POT1 is on the minus strand). VCF-style: chr7-124853027-C-A. GRCh37 (hg19) VCF-style: chr7-124493081-C-A.
Other names: c.421G>T, p.Gly141Cys (NM_001042594.2); short protein forms G141C, G272C.
Identifiers: ClinVar variation 1025216 (VCV001025216.9), dbSNP rs781279819, ClinGen allele CA369055351.